The following is an entry in ClinVar:

ClinVar aggregate classification (germline): Uncertain significance. Review status: criteria provided, multiple submitters, no conflicts (2 of 4 stars). 2 submissions from 2 submitters: Uncertain significance (2). Last evaluated 2022-02-19.

Allele frequency attached by ClinVar (database versions not stated): ExAC 0.00002; gnomAD 0.00003 and 0.00004; TOPMed 0.00003.
gnomAD v4.1: 98 of 1,613,742 alleles (0.0061%); highest among the groups gnomAD compares: Non-Finnish European, 0.0079%; no homozygotes.

Submissions (2):

Labcorp Genetics (formerly Invitae), Labcorp
Classification: Uncertain significance. Last evaluated: 2022-02-19. Review status: criteria provided, single submitter. Criteria: Invitae Variant Classification Sherloc (09022015). Collection method: clinical testing. Allele origin: germline.
Comment: This sequence change replaces alanine, which is neutral and non-polar, with valine, which is neutral and non-polar, at codon 2938 of the HERC1 protein (p.Ala2938Val). This variant is present in population databases (rs548499916, gnomAD 0.006%). This variant has not been reported in the literature in individuals affected with HERC1-related conditions. ClinVar contains an entry for this variant (Variation ID: 451368). Algorithms developed to predict the effect of missense changes on protein structure and function are either unavailable or do not agree on the potential impact of this missense change (SIFT: "Deleterious"; PolyPhen-2: "Benign"; Align-GVGD: "Class C55"). In summary, the available evidence is currently insufficient to determine the role of this variant in disease. Therefore, it has been classified as a Variant of Uncertain Significance.

GeneDx
Classification: Uncertain significance. Last evaluated: 2017-08-14. Review status: criteria provided, single submitter. Criteria: GeneDx Variant Classification (06012015). Collection method: clinical testing. Allele origin: germline. Affected: yes.
Comment: The A2938V variant in the HERC1 gene has not been reported previously as a pathogenic variant, nor as a benign variant, to our knowledge. Although not present in the homozygous state, the A2938V variant is observed in 3/66738 (0.005%) alleles from individuals of non-Finnish European background in the ExAC dataset (Lek et al., 2016). The A2938V variant is a conservative amino acid substitution, which occurs at a position that is conserved in mammals. In silico analysis is inconsistent in its predictions as to whether or not the variant is damaging to the protein structure/function. We interpret A2938V as a variant of uncertain significance.

NM_003922.4(HERC1):c.8813C>T (p.Ala2938Val)

Gene: HERC1 (HECT and RLD domain containing E3 ubiquitin protein ligase family member 1; minus strand). Cytogenetic location: 15q22.31.
Variant type: single nucleotide variant.
Coding change: c.8813C>T on transcript NM_003922.4 (MANE Select); coding-DNA position 8813, C replaced by T.
Protein change: p.Ala2938Val; replaces alanine 2938 with valine.
Molecular consequence: missense variant.
Genome position (GRCh38, 1-based): chr15:63,663,072, G>A on the plus strand (C>T on the coding strand, the complement: HERC1 is on the minus strand). VCF-style: chr15-63663072-G-A. GRCh37 (hg19) VCF-style: chr15-63955271-G-A.
Other names: short protein forms A2938V.
Identifiers: ClinVar variation 451368 (VCV000451368.6), dbSNP rs548499916, ClinGen allele CA7604852.
Genomic context (GRCh38, chr15:63,663,072, plus strand): 5'-ATCCACATTCCCAGAATATCATTGTCACTGGTCAGGTCTTGTCCAAACATAGCTTCCATC[G>A]CCTCATCATCAAGATCAATTTCCAATTCCTCATCTAAATTAAAGTCATACAACGCCCCTG-3'
Protein context (NP_003913.3, residues 2928-2948): EELEIDLDDE[Ala2938Val]MEAMFGQDLT